The following is an entry in ClinVar:

NM_006496.4(GNAI3):c.140G>A (p.Ser47Asn)

Gene: GNAI3 (G protein subunit alpha i3; plus strand). Cytogenetic location: 1p13.3.
Variant type: single nucleotide variant.
Coding change: c.140G>A on transcript NM_006496.4 (MANE Select); coding-DNA position 140, G replaced by A.
Protein change: p.Ser47Asn; replaces serine 47 with asparagine.
Molecular consequence: missense variant.
Genome position (GRCh38, 1-based): chr1:109,573,758, G>A. VCF-style: chr1-109573758-G-A. GRCh37 (hg19) VCF-style: chr1-110116380-G-A.
Other names: short protein forms S47N.
Identifiers: ClinVar variation 450201 (VCV000450201.6), dbSNP rs1553223897, ClinGen allele CA341537789.

ClinVar aggregate classification (germline): Pathogenic/Likely pathogenic. Review status: criteria provided, multiple submitters, no conflicts (2 of 4 stars). 4 submissions from 4 submitters: Pathogenic (2); Likely pathogenic (1). 1 of the submissions does not count toward it. Last evaluated 2025-03-05.

Conditions:
Auriculocondylar syndrome 1 (ARCND1). Identifiers: Orphanet 137888, MedGen C4551996, MONDO:0011234, OMIM 602483.

Submissions (4):

GeneDx
Classification: Pathogenic. Last evaluated: 2025-03-05. Review status: criteria provided, single submitter. Criteria: GeneDx Variant Classification Process June 2021. Collection method: clinical testing. Allele origin: germline. Affected: yes.
Comment: Not observed at significant frequency in large population cohorts (gnomAD); In silico analysis indicates that this missense variant does not alter protein structure/function; This variant is associated with the following publications: (PMID: 33548201, 29491039, 34789173, 37208246, 35170830, 33057194, 35982159, 39014351)

MVZ Martinsried, Medicover Genetics
Classification: Pathogenic for Auriculocondylar syndrome 1. Last evaluated: 2024-07-17. Review status: criteria provided, single submitter. Criteria: ACGS Guidelines, 2020. Collection method: clinical testing. Allele origin: unknown. Affected: yes. Observed: 1 heterozygote.

Institute of Human Genetics, Clinical Exome/Genome Diagnostics Group, University Hospital Bonn
Classification: Likely pathogenic for Auriculocondylar syndrome 1. Last evaluated: 2023-04-20. Review status: criteria provided, single submitter. Criteria: ACMG Guidelines, 2015. Collection method: clinical testing. Allele origin: de novo. Affected: yes.

OMIM
Classification: Pathogenic for AURICULOCONDYLAR SYNDROME 1. Last evaluated: 2024-10-16. Review status: no assertion criteria provided. Collection method: literature only. Allele origin: germline. Not counted in ClinVar's aggregate classification.

Literature cited by the submitters: PubMed 34789173 (cited by OMIM); PubMed 35170830 (cited by OMIM).